The following is an entry in ClinVar:

NM_025114.4(CEP290):c.5962G>A (p.Glu1988Lys)

Gene: CEP290 (centrosomal protein 290; minus strand). Cytogenetic location: 12q21.32.
Variant type: single nucleotide variant.
Coding change: c.5962G>A on transcript NM_025114.4 (MANE Select); coding-DNA position 5962, G replaced by A.
Protein change: p.Glu1988Lys; replaces glutamic acid 1988 with lysine.
Molecular consequence: missense variant.
Genome position (GRCh38, 1-based): chr12:88,071,343, C>T on the plus strand (G>A on the coding strand, the complement: CEP290 is on the minus strand). VCF-style: chr12-88071343-C-T. GRCh37 (hg19) VCF-style: chr12-88465120-C-T.
Other names: short protein forms E1988K.
Identifiers: ClinVar variation 1976778 (VCV001976778.3), dbSNP rs2035358840, ClinGen allele CA385983467.

ClinVar aggregate classification (germline): Uncertain significance (1 of 4 stars; one submission).

Conditions:
Joubert syndrome. Also called: CEREBELLOPARENCHYMAL DISORDER IV; JOUBERT-BOLTSHAUSER SYNDROME; Familial aplasia of the vermis. Identifiers: Orphanet 475, MedGen C5979921, MONDO:0018772.
Meckel-Gruber syndrome. Also called: DYSENCEPHALIA SPLANCHNOCYSTICA; GRUBER SYNDROME; Dysencephalia splachnocystica. Identifiers: Orphanet 564, MedGen C0265215, MONDO:0018921.
Nephronophthisis. Also called: Juvenile Nephronophthisis. Identifiers: Orphanet 655, MedGen C0687120, MONDO:0019005, HP:0000090.

Allele frequency attached by ClinVar (database versions not stated): gnomAD exomes below 0.00001.
gnomAD v4.1: 1 of 1,607,888 alleles (0.000062%); highest among the groups gnomAD compares: Admixed American, 0.0017%; no homozygotes.

Submission:

Labcorp Genetics (formerly Invitae), Labcorp
Classification: Uncertain significance for Joubert syndrome; Meckel-Gruber syndrome; Nephronophthisis. Last evaluated: 2022-08-23. Review status: criteria provided, single submitter. Criteria: Invitae Variant Classification Sherloc (09022015). Collection method: clinical testing. Allele origin: germline.
Comment: In summary, the available evidence is currently insufficient to determine the role of this variant in disease. Therefore, it has been classified as a Variant of Uncertain Significance. Algorithms developed to predict the effect of missense changes on protein structure and function are either unavailable or do not agree on the potential impact of this missense change (SIFT: "Tolerated"; PolyPhen-2: "Possibly Damaging"; Align-GVGD: "Class C0"). This variant has not been reported in the literature in individuals affected with CEP290-related conditions. This variant is not present in population databases (gnomAD no frequency). This sequence change replaces glutamic acid, which is acidic and polar, with lysine, which is basic and polar, at codon 1988 of the CEP290 protein (p.Glu1988Lys).